The following is an entry in ClinVar:

ClinVar aggregate classification (germline): Conflicting classifications of pathogenicity. Review status: criteria provided, conflicting classifications (1 of 4 stars). 6 submissions from 6 submitters: Uncertain significance (5); Likely benign (1). Last evaluated 2024-11-01.

Conditions:
Long QT syndrome (LQTS). Identifiers: MedGen C0023976, MeSH D008133, MONDO:0002442. Disease mechanism: loss of function. Inheritance: Various modes of inheritance.
Cardiovascular phenotype. Identifiers: MedGen CN230736.
Familial hyperaldosteronism type III. Also called: Familial hyperaldosteronism type 3; FH III. Identifiers: Orphanet 251274, MedGen C3838758, MONDO:0013359, OMIM 613677.
Long QT syndrome 13 (LQT13). Identifiers: Orphanet 101016, Orphanet 768, MedGen C3150733, MONDO:0013279, OMIM 613485.

Allele frequency attached by ClinVar (database versions not stated): gnomAD exomes 0.00001; ExAC 0.00002; gnomAD 0.00002; TOPMed 0.00002.
gnomAD v4.1: 21 of 1,614,054 alleles (0.0013%); highest among the groups gnomAD compares: Middle Eastern, 0.049%; no homozygotes.

Submissions (6):

Blueprint Genetics
Classification: Likely benign. Last evaluated: 2024-11-01. Review status: criteria provided, single submitter. Criteria: ACMG Guidelines, 2015. Collection method: clinical testing. Allele origin: germline.

Fulgent Genetics
Classification: Uncertain significance for Long QT syndrome 13; Familial hyperaldosteronism type III. Last evaluated: 2024-03-20. Review status: criteria provided, single submitter. Criteria: ACMG Guidelines, 2015. Collection method: clinical testing. Allele origin: germline.

Ambry Genetics
Classification: Uncertain significance for Cardiovascular phenotype. Last evaluated: 2023-01-27. Review status: criteria provided, single submitter. Criteria: Ambry Variant Classification Scheme 2023. Collection method: clinical testing. Allele origin: germline.
Comment: The p.V92I variant (also known as c.274G>A), located in coding exon 1 of the KCNJ5 gene, results from a G to A substitution at nucleotide position 274. The valine at codon 92 is replaced by isoleucine, an amino acid with highly similar properties. This variant was reported in an individual with ventricular fibrillation, who also had a TRDN nonsense variant detected (van Lint FHM et al. Neth Heart J, 2019 Jun;27:304-309). This amino acid position is not well conserved in available vertebrate species. In addition, this alteration is predicted to be tolerated by in silico analysis. According to data from gnomAD, the frequency for this variant is above the maximum credible frequency for a disease-causing variant in this gene based on internally established thresholds (Karczewski et al. Nature. 2020 May;581(7809):434-443; Whiffin et al. Genet Med. 2017 10;19:1151-1158). Based on the supporting evidence, the association of this alteration with KCNJ5-related long QT syndrome is unknown, and the evidence for this gene-disease relationship is limited; however, the association with KCNJ5-related hyperaldosteronism is unlikely.

Labcorp Genetics (formerly Invitae), Labcorp
Classification: Uncertain significance for Long QT syndrome. Last evaluated: 2022-12-18. Review status: criteria provided, single submitter. Criteria: Invitae Variant Classification Sherloc (09022015). Collection method: clinical testing. Allele origin: germline.
Comment: In summary, the available evidence is currently insufficient to determine the role of this variant in disease. Therefore, it has been classified as a Variant of Uncertain Significance. Advanced modeling of protein sequence and biophysical properties (such as structural, functional, and spatial information, amino acid conservation, physicochemical variation, residue mobility, and thermodynamic stability) performed at Invitae indicates that this missense variant is not expected to disrupt KCNJ5 protein function. This sequence change replaces valine, which is neutral and non-polar, with isoleucine, which is neutral and non-polar, at codon 92 of the KCNJ5 protein (p.Val92Ile). This variant is present in population databases (rs749202931, gnomAD 0.002%). This variant has not been reported in the literature in individuals affected with KCNJ5-related conditions. ClinVar contains an entry for this variant (Variation ID: 1040985).

GeneDx
Classification: Uncertain significance. Last evaluated: 2022-11-30. Review status: criteria provided, single submitter. Criteria: GeneDx Variant Classification Process June 2021. Collection method: clinical testing. Allele origin: germline. Affected: yes.
Comment: Not observed at significant frequency in large population cohorts (gnomAD); In silico analysis supports that this missense variant does not alter protein structure/function; Has not been previously published as pathogenic or benign to our knowledge

Breakthrough Genomics
Classification: Uncertain significance. Review status: criteria provided, single submitter. Criteria: ACMG Guidelines, 2015. Collection method: not provided. Allele origin: germline. Inheritance: Autosomal dominant inheritance. Affected: yes.

Literature cited by the submitters: PubMed 30847666 (cited by Ambry Genetics).

NM_000890.5(KCNJ5):c.274G>A (p.Val92Ile)

Gene: KCNJ5 (potassium inwardly rectifying channel subfamily J member 5; plus strand). Cytogenetic location: 11q24.3.
Variant type: single nucleotide variant.
Coding change: c.274G>A on transcript NM_000890.5 (MANE Select); coding-DNA position 274, G replaced by A.
Protein change: p.Val92Ile; replaces valine 92 with isoleucine.
Molecular consequence: missense variant.
Genome position (GRCh38, 1-based): chr11:128,911,547, G>A. VCF-style: chr11-128911547-G-A. GRCh37 (hg19) VCF-style: chr11-128781442-G-A.
Other names: c.274G>A, p.Val92Ile (NM_001354169.2); short protein forms V92I.
Identifiers: ClinVar variation 1040985 (VCV001040985.16), dbSNP rs749202931, ClinGen allele CA6357849.